The following is an entry in ClinVar:

ClinVar aggregate classification (germline): Uncertain significance. Review status: criteria provided, multiple submitters, no conflicts (2 of 4 stars). 2 submissions from 2 submitters: Uncertain significance (2). Last evaluated 2024-08-16.

Submissions (2):

Women's Health and Genetics/Laboratory Corporation of America, LabCorp
Classification: Uncertain significance. Last evaluated: 2024-08-16. Review status: criteria provided, single submitter. Criteria: LabCorp Variant Classification Summary - May 2015. Collection method: clinical testing. Allele origin: germline.
Comment: Variant summary: ZNF687 c.2797_2802delAGCTCC (p.Ser933_Ser934del) results in an in-frame deletion that is predicted to remove two amino acids from the encoded protein. The variant was absent in 178864 control chromosomes. The available data on variant occurrences in the general population are insufficient to allow any conclusion about variant significance. To our knowledge, no occurrence of c.2797_2802delAGCTCC in individuals affected with Paget Disease Of Bone 6 and no experimental evidence demonstrating its impact on protein function have been reported. ClinVar contains an entry for this variant (Variation ID: 2192739). Based on the evidence outlined above, the variant was classified as uncertain significance.

Labcorp Genetics (formerly Invitae), Labcorp
Classification: Uncertain significance. Last evaluated: 2024-04-30. Review status: criteria provided, single submitter. Criteria: Invitae Variant Classification Sherloc (09022015). Collection method: clinical testing. Allele origin: germline.
Comment: This variant, c.2797_2802del, results in the deletion of 2 amino acid(s) of the ZNF687 protein (p.Ser933_Ser934del), but otherwise preserves the integrity of the reading frame. This variant is present in population databases (no rsID available, gnomAD 0.01%). This variant has not been reported in the literature in individuals affected with ZNF687-related conditions. ClinVar contains an entry for this variant (Variation ID: 2192739). Experimental studies and prediction algorithms are not available or were not evaluated, and the functional significance of this variant is currently unknown. In summary, the available evidence is currently insufficient to determine the role of this variant in disease. Therefore, it has been classified as a Variant of Uncertain Significance.

NM_020832.3(ZNF687):c.2797_2802del (p.Ser933_Ser934del)

Gene: ZNF687 (zinc finger protein 687; plus strand). Cytogenetic location: 1q21.3.
Variant type: Deletion.
Coding change: c.2797_2802del on transcript NM_020832.3 (MANE Select); coding-DNA positions 2797 to 2802, 6 bases deleted (AGCTCC; older notation c.2797_2802delAGCTCC).
Protein change: p.Ser933_Ser934del.
Molecular consequence: inframe deletion.
Genome position (GRCh38, 1-based): chr1:151,289,840-151,289,845, AGCTCC deleted; deleting any 6 consecutive bases within chr1:151,289,838-151,289,845 gives the same sequence; the c. name uses the placement nearest the transcript's 3' end. VCF-style (leftmost placement, unchanged base first): chr1-151289837-CCCAGCT-C. GRCh37 (hg19) VCF-style: chr1-151262313-CCCAGCT-C.
Other names: c.2797_2802delAGCTCC (NM_020832.3); c.2797_2802del, p.Ser933_Ser934del (NM_001304763.2, NM_001304764.2).
Identifiers: ClinVar variation 2192739 (VCV002192739.5), dbSNP rs1296908409, ClinGen allele CA341954564.